The following is an entry in ClinVar:

NM_020822.3(KCNT1):c.2561C>T (p.Pro854Leu)

Gene: KCNT1 (potassium sodium-activated channel subfamily T member 1; plus strand). Cytogenetic location: 9q34.3.
Variant type: single nucleotide variant.
Coding change: c.2561C>T on transcript NM_020822.3 (MANE Select); coding-DNA position 2561, C replaced by T.
Protein change: p.Pro854Leu; replaces proline 854 with leucine.
Molecular consequence: missense variant.
Genome position (GRCh38, 1-based): chr9:135,778,462, C>T. VCF-style: chr9-135778462-C-T. GRCh37 (hg19) VCF-style: chr9-138670308-C-T.
Other names: c.2426C>T, p.Pro809Leu (NM_001272003.2); short protein forms P809L, P854L.
Identifiers: ClinVar variation 2101724 (VCV002101724.4), dbSNP rs1419725743, ClinGen allele CA375513918.

ClinVar aggregate classification (germline): Uncertain significance (1 of 4 stars; one submission).

Conditions:
Autosomal dominant nocturnal frontal lobe epilepsy 5. Also called: CILIARY DYSKINESIA, PRIMARY, 28, WITHOUT SITUS INVERSUS; CILIARY DYSKINESIA, PRIMARY, 28, WITH SITUS INVERSUS; Epilepsy, nocturnal frontal lobe, 5; KCNT1-Related Epilepsy. Identifiers: Orphanet 98784, MedGen C3554306, MONDO:0014002, OMIM 615005.
Developmental and epileptic encephalopathy, 14 (DEE14). Also called: Early infantile epileptic encephalopathy 14. Identifiers: Orphanet 293181, MedGen C3554195, MONDO:0013989, OMIM 614959.

Submission:

Labcorp Genetics (formerly Invitae), Labcorp
Classification: Uncertain significance for Autosomal dominant nocturnal frontal lobe epilepsy 5; Developmental and epileptic encephalopathy, 14. Last evaluated: 2024-01-08. Review status: criteria provided, single submitter. Criteria: Invitae Variant Classification Sherloc (09022015). Collection method: clinical testing. Allele origin: germline.
Comment: This sequence change replaces proline, which is neutral and non-polar, with leucine, which is neutral and non-polar, at codon 854 of the KCNT1 protein (p.Pro854Leu). This variant is not present in population databases (gnomAD no frequency). This variant has not been reported in the literature in individuals affected with KCNT1-related conditions. ClinVar contains an entry for this variant (Variation ID: 2101724). Advanced modeling of protein sequence and biophysical properties (such as structural, functional, and spatial information, amino acid conservation, physicochemical variation, residue mobility, and thermodynamic stability) performed at Invitae indicates that this missense variant is expected to disrupt KCNT1 protein function with a positive predictive value of 80%. In summary, the available evidence is currently insufficient to determine the role of this variant in disease. Therefore, it has been classified as a Variant of Uncertain Significance.